The following is an entry in ClinVar:

ClinVar aggregate classification (germline): Pathogenic. Review status: criteria provided, multiple submitters, no conflicts (2 of 4 stars). 5 submissions from 5 submitters: Pathogenic (5). Last evaluated 2026-09-08.

Conditions:
Fabry disease. Also called: Ceramide trihexosidosis; Angiokeratoma corporis diffusum; ALPHA-GALACTOSIDASE A DEFICIENCY; ANDERSON-FABRY DISEASE; Fabry's disease; CERAMIDE TRIHEXOSIDASE DEFICIENCY. Identifiers: Orphanet 324, MedGen C0002986, MONDO:0010526, OMIM 301500, HP:0001071. Disease mechanism: Fabry disease is due to inactivating mutations in the X-linked GLA gene resulting in deficiency of the enzyme Alpha Galactosidase-A., loss of function.

Submissions (5):

Genomenon, Inc
Classification: Pathogenic for Fabry disease. Last evaluated: 2026-09-08. Review status: criteria provided, single submitter. Criteria: Genomenon Sequence Variant Interpretation Standards - Updated. Collection method: curation. Allele origin: germline. Affected: yes.
Comment: GLA p.Gln221Ter (c.661C>T) is a nonsense variant that introduces a premature stop codon at amino acid position 221 and is predicted to result in a truncated or absent protein product. This variant has been observed in at least one proband with clinical features consistent with Fabry disease (PMID:26252393;16595074;17656478;12175777). It is absent or not present at a significant frequency in gnomAD. In conclusion, we classify GLA p.Gln221Ter (c.661C>T) as a pathogenic variant.

Genome-Nilou Lab
Classification: Pathogenic for Fabry disease. Last evaluated: 2021-07-15. Review status: criteria provided, single submitter. Criteria: ACMG Guidelines, 2015. Collection method: clinical testing. Allele origin: germline. Affected: no.

Labcorp Genetics (formerly Invitae), Labcorp
Classification: Pathogenic for Fabry disease. Last evaluated: 2019-12-15. Review status: criteria provided, single submitter. Criteria: Invitae Variant Classification Sherloc (09022015). Collection method: clinical testing. Allele origin: germline.
Comment: This variant has been observed in individual(s) with Fabry disease (PMID: 12175777). ClinVar contains an entry for this variant (Variation ID: 197638). This variant is not present in population databases (ExAC no frequency). This sequence change creates a premature translational stop signal (p.Gln221*) in the GLA gene. It is expected to result in an absent or disrupted protein product. Loss-of-function variants in GLA are known to be pathogenic (PMID: 10666480, 12175777). For these reasons, this variant has been classified as Pathogenic.

Women's Health and Genetics/Laboratory Corporation of America, LabCorp
Classification: Pathogenic for Fabry disease. Last evaluated: 2019-07-03. Review status: criteria provided, single submitter. Criteria: LabCorp Variant Classification Summary - May 2015. Collection method: clinical testing. Allele origin: germline.
Comment: Variant summary: GLA c.661C>T (p.Gln221X) results in a premature termination codon, predicted to cause a truncation of the encoded protein or absence of the protein due to nonsense mediated decay, which are commonly known mechanisms for disease. Truncations downstream of this position have been classified as pathogenic by our laboratory. The variant was absent in 183422 control chromosomes. c.661C>T has been reported in the literature in at-least three individuals affected with classic Fabry Disease (Shabbeer_2002 and Tahir_2007). These data indicate that the variant is associated with disease. To our knowledge, no experimental evidence demonstrating an impact on protein function has been reported although the patients identified in the literature were reported to have been tested by enzyme activity for alpha-galactosidase. This variant is listed among the list of mutations "not amenable" to treatment with Galafold (migalastat) in product specifications for this drug. No clinical diagnostic laboratories have submitted clinical-significance assessments for this variant to ClinVar after 2014. However, at-least one submitter in ClinVar classified the variant as pathogenic in 2013. Based on the evidence outlined above, the variant was classified as pathogenic.

Eurofins Ntd Llc (ga)
Classification: Pathogenic. Last evaluated: 2014-07-11. Review status: criteria provided, single submitter. Criteria: EGL Classification Definitions 2015. Collection method: clinical testing. Allele origin: germline. Observed: 4 variant alleles, 2 heterozygotes, 2 hemizygotes.

Literature cited by the submitters: PubMed 26252393 (cited by Genomenon, Inc); PubMed 16595074 (cited by Genomenon, Inc); PubMed 17656478 (cited by Genomenon, Inc and Women's Health and Genetics/Laboratory Corporation of America, LabCorp); PubMed 12175777 (cited by 3 submitters); PubMed 10666480 (cited by Labcorp Genetics (formerly Invitae), Labcorp).

NM_000169.3(GLA):c.661C>T (p.Gln221Ter)

Genes: RPL36A-HNRNPH2 (RPL36A-HNRNPH2 readthrough; plus strand), GLA (galactosidase alpha; minus strand). Cytogenetic location: Xq22.1.
Variant type: single nucleotide variant.
Coding change: c.661C>T on transcript NM_000169.3 (MANE Select); coding-DNA position 661, C replaced by T.
Protein change: p.Gln221Ter; replaces glutamine 221 with a stop codon.
Molecular consequence: nonsense. On other transcripts: non-coding transcript variant (3), intron variant (2).
Genome position (GRCh38, 1-based): chrX:101,398,925, G>A on the plus strand (C>T on the coding strand, the complement: GLA is on the minus strand). VCF-style: chrX-101398925-G-A. GRCh37 (hg19) VCF-style: chrX-100653913-G-A.
Other names: c.784C>T, p.Gln262Ter (NM_001406747.1); c.661C>T, p.Gln221Ter (NM_001406748.1); c.300+3468G>A (NM_001199973.2); c.177+7103G>A (NM_001199974.2); short protein forms Q221*, Q262*.
Identifiers: ClinVar variation 197638 (VCV000197638.20), dbSNP rs797044747, ClinGen allele CA021941.